The following is an entry in ClinVar:

NM_170707.4(LMNA):c.1526del (p.Pro509fs)

Gene: LMNA (lamin A/C; plus strand). Cytogenetic location: 1q22.
Variant type: Deletion.
Coding change: c.1526del on transcript NM_170707.4 (MANE Select); coding-DNA position 1526, one base deleted (C; older notation c.1526delC).
Protein change: p.Pro509fs; shifts the reading frame from proline 509.
Molecular consequence: frameshift variant.
Genome position (GRCh38, 1-based): chr1:156,137,150, C deleted; the last of 6 consecutive C bases (chr1:156,137,145-156,137,150); deleting any one gives the same sequence. VCF-style (leftmost placement, unchanged base first): chr1-156137144-GC-G. GRCh37 (hg19) VCF-style: chr1-156106935-GC-G.
Other names: c.1190del, p.Pro397fs (NM_001257374.3); c.1283del, p.Pro428fs (NM_001282624.2); c.1526del, p.Pro509fs (NM_001282625.2, NM_001282626.2, NM_005572.4 and 1 more transcripts); short protein forms P397fs, P428fs, P509fs.
Identifiers: ClinVar variation 1072048 (VCV001072048.7), dbSNP rs58013325, ClinGen allele CA2499214221.

ClinVar aggregate classification (germline): Pathogenic (1 of 4 stars; one submission).

Conditions:
Charcot-Marie-Tooth disease type 2. Also called: Charcot-Marie-Tooth type 2. Identifiers: Orphanet 64746, MedGen C0270914, MONDO:0018993.

Submission:

Labcorp Genetics (formerly Invitae), Labcorp
Classification: Pathogenic for Charcot-Marie-Tooth disease type 2. Last evaluated: 2023-08-04. Review status: criteria provided, single submitter. Criteria: Invitae Variant Classification Sherloc (09022015). Collection method: clinical testing. Allele origin: germline.
Comment: For these reasons, this variant has been classified as Pathogenic. ClinVar contains an entry for this variant (Variation ID: 1072048). This variant has not been reported in the literature in individuals affected with LMNA-related conditions. This variant is not present in population databases (gnomAD no frequency). This sequence change creates a premature translational stop signal (p.Pro509Leufs*39) in the LMNA gene. It is expected to result in an absent or disrupted protein product. Loss-of-function variants in LMNA are known to be pathogenic (PMID: 18585512, 18926329).

Literature cited by the submitters: PubMed 18585512; PubMed 18926329.